The following is an entry in ClinVar:

NM_005876.5(SPEG):c.5968G>A (p.Glu1990Lys)

Genes: ASIC4-AS1 (ASIC4 antisense RNA 1; minus strand), SPEG (striated muscle enriched protein kinase; plus strand). Cytogenetic location: 2q35.
Variant type: single nucleotide variant.
Coding change: c.5968G>A on transcript NM_005876.5 (MANE Select); coding-DNA position 5968, G replaced by A.
Protein change: p.Glu1990Lys; replaces glutamic acid 1990 with lysine.
Molecular consequence: missense variant.
Genome position (GRCh38, 1-based): chr2:219,483,431, G>A. VCF-style: chr2-219483431-G-A. GRCh37 (hg19) VCF-style: chr2-220348153-G-A.
Other names: short protein forms E1990K.
Identifiers: ClinVar variation 1996292 (VCV001996292.4), dbSNP rs2545926731, ClinGen allele CA350694460.

ClinVar aggregate classification (germline): Uncertain significance (1 of 4 stars; one submission).

Submission:

Labcorp Genetics (formerly Invitae), Labcorp
Classification: Uncertain significance. Last evaluated: 2022-05-19. Review status: criteria provided, single submitter. Criteria: Invitae Variant Classification Sherloc (09022015). Collection method: clinical testing. Allele origin: germline.
Comment: This sequence change replaces glutamic acid, which is acidic and polar, with lysine, which is basic and polar, at codon 1990 of the SPEG protein (p.Glu1990Lys). This variant is not present in population databases (gnomAD no frequency). This variant has not been reported in the literature in individuals affected with SPEG-related conditions. Algorithms developed to predict the effect of missense changes on protein structure and function are either unavailable or do not agree on the potential impact of this missense change (SIFT: "Deleterious"; PolyPhen-2: "Benign"; Align-GVGD: "Class C0"). In summary, the available evidence is currently insufficient to determine the role of this variant in disease. Therefore, it has been classified as a Variant of Uncertain Significance.